The following is an entry in ClinVar:

ClinVar aggregate classification (germline): Uncertain significance (1 of 4 stars; one submission).

Conditions:
Tuberous sclerosis 2 (TSC2). Identifiers: Orphanet 805, MedGen C1860707, MONDO:0013199, OMIM 613254.

Submission:

Labcorp Genetics (formerly Invitae), Labcorp
Classification: Uncertain significance for Tuberous sclerosis 2. Last evaluated: 2019-07-01. Review status: criteria provided, single submitter. Criteria: Invitae Variant Classification Sherloc (09022015). Collection method: clinical testing. Allele origin: germline.
Comment: In summary, the available evidence is currently insufficient to determine the role of this variant in disease. Therefore, it has been classified as a Variant of Uncertain Significance. Algorithms developed to predict the effect of missense changes on protein structure and function are either unavailable or do not agree on the potential impact of this missense change (SIFT: "Deleterious"; PolyPhen-2: "Probably Damaging"; Align-GVGD: "Class C0"). This variant has not been reported in the literature in individuals with TSC2-related conditions. This variant is not present in population databases (ExAC no frequency). This sequence change replaces threonine with lysine at codon 831 of the TSC2 protein (p.Thr831Lys). The threonine residue is highly conserved and there is a moderate physicochemical difference between threonine and lysine.

NM_000548.5(TSC2):c.2492C>A (p.Thr831Lys)

Gene: TSC2 (TSC complex subunit 2; plus strand). Cytogenetic location: 16p13.3.
Variant type: single nucleotide variant.
Coding change: c.2492C>A on transcript NM_000548.5 (MANE Select); coding-DNA position 2492, C replaced by A.
Protein change: p.Thr831Lys; replaces threonine 831 with lysine.
Molecular consequence: missense variant.
Genome position (GRCh38, 1-based): chr16:2,074,336, C>A. VCF-style: chr16-2074336-C-A. GRCh37 (hg19) VCF-style: chr16-2124337-C-A.
Other names: c.2492C>A, p.Thr831Lys (NM_001077183.3, NM_001114382.3, NM_001363528.2 and 3 more transcripts); c.2381C>A, p.Thr794Lys (NM_001318827.2); c.2345C>A, p.Thr782Lys (NM_001318829.2); c.1892C>A, p.Thr631Lys (NM_001318831.2); c.2525C>A, p.Thr842Lys (NM_001318832.2); short protein forms T842K, T631K, T794K, T782K, T831K.
Identifiers: ClinVar variation 947574 (VCV000947574.9), dbSNP rs774380711, ClinGen allele CA394277784.